The following is an entry in ClinVar:

NM_000454.5(SOD1):c.407C>T (p.Thr136Ile)

Gene: SOD1 (superoxide dismutase 1; plus strand). Cytogenetic location: 21q22.11.
Variant type: single nucleotide variant.
Coding change: c.407C>T on transcript NM_000454.5 (MANE Select); coding-DNA position 407, C replaced by T.
Protein change: p.Thr136Ile; replaces threonine 136 with isoleucine.
Molecular consequence: missense variant.
Genome position (GRCh38, 1-based): chr21:31,668,520, C>T. VCF-style: chr21-31668520-C-T. GRCh37 (hg19) VCF-style: chr21-33040833-C-T.
Other names: short protein forms T136I.
Identifiers: ClinVar variation 4741106 (VCV004741106.1).

ClinVar aggregate classification (germline): Uncertain significance (1 of 4 stars; one submission).

Conditions:
Amyotrophic lateral sclerosis type 1 (ALS1). Also called: AMYOTROPHIC LATERAL SCLEROSIS 1, FAMILIAL. Identifiers: Orphanet 803, MedGen C1862939, MONDO:0007103, OMIM 105400.

gnomAD v4.1: 44 of 1,613,796 alleles (0.0027%); highest among the groups gnomAD compares: Non-Finnish European, 0.0037%; no homozygotes.

Submission:

Labcorp Genetics (formerly Invitae), Labcorp
Classification: Uncertain significance for Amyotrophic lateral sclerosis type 1. Last evaluated: 2025-11-10. Review status: criteria provided, single submitter. Criteria: Invitae Variant Classification Sherloc (09022015). Collection method: clinical testing. Allele origin: germline.
Comment: This sequence change replaces threonine, which is neutral and polar, with isoleucine, which is neutral and non-polar, at codon 136 of the SOD1 protein (p.Thr136Ile). This variant is present in population databases (rs781031581, gnomAD 0.002%). This variant has not been reported in the literature in individuals affected with SOD1-related conditions. An algorithm developed to predict the effect of missense changes on protein structure and function (PolyPhen-2) suggests that this variant is likely to be tolerated. In summary, the available evidence is currently insufficient to determine the role of this variant in disease. Therefore, it has been classified as a Variant of Uncertain Significance.